The following is an entry in ClinVar:

NM_017934.7(PHIP):c.292_300del (p.Gln98_Leu100del)

Gene: PHIP (PHIP subunit of CUL4-Ring ligase complex; minus strand). Cytogenetic location: 6q14.1.
Variant type: Deletion.
Coding change: c.292_300del on transcript NM_017934.7 (MANE Select); coding-DNA positions 292 to 300, 9 bases deleted (CAAACTTTA; older notation c.292_300delCAAACTTTA).
Protein change: p.Gln98_Leu100del.
Molecular consequence: inframe deletion.
Genome position (GRCh38, 1-based): chr6:79,060,708-79,060,716, TAAAGTTTG deleted on the plus strand (CAAACTTTA on the coding strand, the reverse complement: PHIP is on the minus strand); deleting any 9 consecutive bases within chr6:79,060,708-79,060,718 gives the same sequence; the c. name uses the placement nearest the transcript's 3' end. VCF-style (leftmost placement, unchanged base first): chr6-79060707-ATAAAGTTTG-A. GRCh37 (hg19) VCF-style: chr6-79770424-ATAAAGTTTG-A.
Identifiers: ClinVar variation 2832247 (VCV002832247.3), dbSNP rs2482350320, ClinGen allele CA2739273257.

ClinVar aggregate classification (germline): Likely pathogenic (1 of 4 stars; one submission).

Submission:

Labcorp Genetics (formerly Invitae), Labcorp
Classification: Likely pathogenic. Last evaluated: 2025-01-13. Review status: criteria provided, single submitter. Criteria: Invitae Variant Classification Sherloc (09022015). Collection method: clinical testing. Allele origin: germline.
Comment: This variant, c.292_300del, results in the deletion of 3 amino acid(s) of the PHIP protein (p.Gln98_Leu100del), but otherwise preserves the integrity of the reading frame. This variant is not present in population databases (gnomAD no frequency). This variant has been observed in individual(s) with clinical features of PHIP-related conditions (internal data). In at least one individual the variant was observed to be de novo. ClinVar contains an entry for this variant (Variation ID: 2832247). Experimental studies and prediction algorithms are not available or were not evaluated, and the functional significance of this variant is currently unknown. In summary, the currently available evidence indicates that the variant is pathogenic, but additional data are needed to prove that conclusively. Therefore, this variant has been classified as Likely Pathogenic.